The following is an entry in ClinVar:

NM_000444.6(PHEX):c.1173+2T>A

Gene: PHEX (phosphate regulating endopeptidase X-linked; plus strand). Cytogenetic location: Xp22.11.
Variant type: single nucleotide variant.
Coding change: c.1173+2T>A on transcript NM_000444.6 (MANE Select); the canonical splice donor site of the intron after coding-DNA position 1173, T replaced by A.
Molecular consequence: splice donor variant.
Genome position (GRCh38, 1-based): chrX:22,111,562, T>A. VCF-style: chrX-22111562-T-A. GRCh37 (hg19) VCF-style: chrX-22129680-T-A.
Other names: c.1173+2T>A (NM_001282754.2).
Identifiers: ClinVar variation 1708344 (VCV001708344.3), dbSNP rs1057517896, ClinGen allele CA412573288.

ClinVar aggregate classification (germline): Pathogenic (1 of 4 stars; one submission).

Submission:

Centre of Medical Genetics, University Hospital Muenster
Classification: Pathogenic. Last evaluated: 2021-12-17. Review status: criteria provided, single submitter. Criteria: ACMG Guidelines, 2015. Collection method: clinical testing. Allele origin: unknown. Affected: yes. Observed: 1 variant allele, 1 heterozygote.
Comment: ACMG categories: PVS1,PM2,PP3